The following is an entry in ClinVar:

ClinVar aggregate classification (germline): Uncertain significance (1 of 4 stars; one submission).

gnomAD v4.1: 6 of 1,196,718 alleles (0.0005%); highest among the groups gnomAD compares: Admixed American, 0.0023%; no homozygotes.

Submission:

Labcorp Genetics (formerly Invitae), Labcorp
Classification: Uncertain significance. Last evaluated: 2025-09-03. Review status: criteria provided, single submitter. Criteria: Invitae Variant Classification Sherloc (09022015). Collection method: clinical testing. Allele origin: germline.
Comment: This sequence change replaces alanine, which is neutral and non-polar, with valine, which is neutral and non-polar, at codon 196 of the MAGED2 protein (p.Ala196Val). This variant is not present in population databases (gnomAD no frequency). This variant has not been reported in the literature in individuals affected with MAGED2-related conditions. ClinVar contains an entry for this variant (Variation ID: 3698435). An algorithm developed to predict the effect of missense changes on protein structure and function (PolyPhen-2) suggests that this variant is likely to be tolerated. In summary, the available evidence is currently insufficient to determine the role of this variant in disease. Therefore, it has been classified as a Variant of Uncertain Significance.

NM_177433.3(MAGED2):c.587C>T (p.Ala196Val)

Gene: MAGED2 (MAGE family member D2; plus strand). Cytogenetic location: Xp11.21.
Variant type: single nucleotide variant.
Coding change: c.587C>T on transcript NM_177433.3 (MANE Select); coding-DNA position 587, C replaced by T.
Protein change: p.Ala196Val; replaces alanine 196 with valine.
Molecular consequence: missense variant.
Genome position (GRCh38, 1-based): chrX:54,810,870, C>T. VCF-style: chrX-54810870-C-T. GRCh37 (hg19) VCF-style: chrX-54837303-C-T.
Other names: c.587C>T, p.Ala196Val (NM_014599.6, NM_201222.3); short protein forms A196V.
Identifiers: ClinVar variation 3698435 (VCV003698435.2).